The following is an entry in ClinVar:

NM_001370.2(DNAH6):c.7957T>C (p.Tyr2653His)

Gene: DNAH6 (dynein axonemal heavy chain 6; plus strand). Cytogenetic location: 2p11.2.
Variant type: single nucleotide variant.
Coding change: c.7957T>C on transcript NM_001370.2 (MANE Select); coding-DNA position 7957, T replaced by C.
Protein change: p.Tyr2653His; replaces tyrosine 2653 with histidine.
Molecular consequence: missense variant.
Genome position (GRCh38, 1-based): chr2:84,701,235, T>C. VCF-style: chr2-84701235-T-C. GRCh37 (hg19) VCF-style: chr2-84928359-T-C.
Other names: short protein forms Y2653H.
Identifiers: ClinVar variation 3040243 (VCV003040243.2), dbSNP rs533159875, ClinGen allele CA1737478.

ClinVar aggregate classification (germline): Benign (0 of 4 stars; one submission).

Conditions:
DNAH6-related disorder. Also called: DNAH6-related condition.

Allele frequency attached by ClinVar (database versions not stated): TOPMed 0.00008; gnomAD 0.00025; gnomAD exomes 0.00056; 1000 Genomes Project 30x 0.00172; 1000 Genomes Project 0.00180; ExAC 0.00313.
gnomAD v4.1: 819 of 1,551,794 alleles (0.053%); highest among the groups gnomAD compares: South Asian, 0.93%; 11 homozygotes.

Submission:

PreventionGenetics, part of Exact Sciences
Classification: Benign for DNAH6-related condition. Last evaluated: 2019-10-28. Review status: no assertion criteria provided. Collection method: clinical testing. Allele origin: germline.
Comment: This variant is classified as benign based on ACMG/AMP sequence variant interpretation guidelines (Richards et al. 2015 PMID: 25741868, with internal and published modifications).